The following is an entry in ClinVar:

ClinVar aggregate classification (germline): Uncertain significance (1 of 4 stars; one submission).

Allele frequency attached by ClinVar (database versions not stated): gnomAD exomes below 0.00001.
gnomAD v4.1: 1 of 1,612,126 alleles (0.000062%); highest among the groups gnomAD compares: South Asian, 0.0011%; no homozygotes.

Submission:

CeGaT Center for Human Genetics Tuebingen
Classification: Uncertain significance. Last evaluated: 2024-03-01. Review status: criteria provided, single submitter. Criteria: CeGaT Center For Human Genetics Tuebingen Variant Classification Criteria Version 2. Collection method: clinical testing. Allele origin: germline. Affected: yes. Observed: 1 variant allele.
Comment: TUBGCP6: PM2, PM3:Supporting, BP4

NM_020461.4(TUBGCP6):c.3919A>G (p.Ser1307Gly)

Gene: TUBGCP6 (tubulin gamma complex component 6; minus strand). Cytogenetic location: 22q13.33.
Variant type: single nucleotide variant.
Coding change: c.3919A>G on transcript NM_020461.4 (MANE Select); coding-DNA position 3919, A replaced by G.
Protein change: p.Ser1307Gly; replaces serine 1307 with glycine.
Molecular consequence: missense variant.
Genome position (GRCh38, 1-based): chr22:50,220,440, T>C on the plus strand (A>G on the coding strand, the complement: TUBGCP6 is on the minus strand). VCF-style: chr22-50220440-T-C. GRCh37 (hg19) VCF-style: chr22-50658869-T-C.
Other names: short protein forms S1307G.
Identifiers: ClinVar variation 3067677 (VCV003067677.21), dbSNP rs1401203797, ClinGen allele CA412177743.
Genomic context (GRCh38, chr22:50,220,440, plus strand): 5'-GCCCCACTTCTACAGGCAGCCGTGGCCCACAGTCCAGCACAGTGCTCTGTGCTCCCAGGC[T>C]GAGCGCTGACTGGGACGTGTGGCCAGGGGGGCTCTGTTGGGGCCTGGGTGTGTTGGGCTC-3'
Protein context (NP_065194.3, residues 1297-1317): PPGHTSQSAL[Ser1307Gly]LGAQSTVLDC